The following is an entry in ClinVar:

ClinVar aggregate classification (germline): Likely pathogenic. Review status: criteria provided, multiple submitters, no conflicts (2 of 4 stars). 4 submissions from 4 submitters: Likely pathogenic (4). Last evaluated 2025-04-28.

Conditions:
Hereditary cancer-predisposing syndrome. Also called: Neoplastic Syndromes, Hereditary; Hereditary Cancer Syndrome; Tumor predisposition; Hereditary neoplastic syndrome. Identifiers: Orphanet 140162, MedGen C0027672, MeSH D009386, MONDO:0015356.
Familial cancer of breast. Also called: hereditary breast carcinoma; Hereditary breast cancer; BREAST CANCER, FAMILIAL. Identifiers: Orphanet 227535, MedGen C0346153, MONDO:0016419, OMIM 114480. Disease mechanism: loss of function.
Fanconi anemia complementation group J. Also called: BRIP1-Related Fanconi Anemia. Identifiers: Orphanet 84, MedGen C1836860, MONDO:0012187, OMIM 609054.

Submissions (4):

Ambry Genetics
Classification: Likely pathogenic for Hereditary cancer-predisposing syndrome. Last evaluated: 2025-04-28. Review status: criteria provided, single submitter. Criteria: Ambry Variant Classification Scheme 2023. Collection method: clinical testing. Allele origin: germline.
Comment: The c.1629-1G>C intronic variant results from a G to C substitution one nucleotide upstream from coding exon 11 of the BRIP1 gene. This variant is considered to be rare based on population cohorts in the Genome Aggregation Database (gnomAD). This nucleotide position is highly conserved in available vertebrate species. In silico splice site analysis predicts that this alteration will weaken the native splice acceptor site and will result in the creation or strengthening of a novel splice acceptor site; however, direct evidence is insufficient at this time (Ambry internal data). Alterations that disrupt the canonical splice site are expected to cause aberrant splicing, resulting in an abnormal protein or a transcript that is subject to nonsense-mediated mRNA decay. As such, this alteration is classified as likely pathogenic.

Baylor Genetics
Classification: Likely pathogenic for Familial cancer of breast. Last evaluated: 2024-01-06. Review status: criteria provided, single submitter. Criteria: ACMG Guidelines, 2015. Collection method: clinical testing. Allele origin: unknown.

Myriad Genetics, Inc.
Classification: Likely pathogenic for Familial cancer of breast. Last evaluated: 2023-06-02. Review status: criteria provided, single submitter. Criteria: Myriad Autosomal Dominant, Autosomal Recessive and X-Linked Classification Criteria (2023). Collection method: clinical testing. Allele origin: unknown.
Comment: This variant is considered likely pathogenic. This variant occurs within a consensus splice junction and is predicted to result in abnormal mRNA splicing of either an out-of-frame exon or an in-frame exon necessary for protein stability and/or normal function.

Labcorp Genetics (formerly Invitae), Labcorp
Classification: Likely pathogenic for Familial cancer of breast; Fanconi anemia complementation group J. Last evaluated: 2021-07-27. Review status: criteria provided, single submitter. Criteria: Invitae Variant Classification Sherloc (09022015). Collection method: clinical testing. Allele origin: germline.
Comment: In summary, the currently available evidence indicates that the variant is pathogenic, but additional data are needed to prove that conclusively. Therefore, this variant has been classified as Likely Pathogenic. Algorithms developed to predict the effect of sequence changes on RNA splicing suggest that this variant may disrupt the consensus splice site. This variant has not been reported in the literature in individuals affected with BRIP1-related conditions. This sequence change affects an acceptor splice site in intron 11 of the BRIP1 gene. It is expected to disrupt RNA splicing. Variants that disrupt the donor or acceptor splice site typically lead to a loss of protein function (PMID: 16199547), and loss-of-function variants in BRIP1 are known to be pathogenic (PMID: 16116423, 17033622, 21964575). This variant is not present in population databases (ExAC no frequency).

Literature cited by the submitters: PubMed 16199547 (cited by Labcorp Genetics (formerly Invitae), Labcorp); PubMed 16116423 (cited by Labcorp Genetics (formerly Invitae), Labcorp); PubMed 17033622 (cited by Labcorp Genetics (formerly Invitae), Labcorp); PubMed 21964575 (cited by Labcorp Genetics (formerly Invitae), Labcorp).

NM_032043.3(BRIP1):c.1629-1G>C

Gene: BRIP1 (BRCA1 interacting DNA helicase 1; minus strand). Cytogenetic location: 17q23.2.
Variant type: single nucleotide variant.
Coding change: c.1629-1G>C on transcript NM_032043.3 (MANE Select); the canonical splice acceptor site of the intron before coding-DNA position 1629, G replaced by C.
Molecular consequence: splice acceptor variant.
Genome position (GRCh38, 1-based): chr17:61,781,006, C>G on the plus strand (G>C on the coding strand, the complement: BRIP1 is on the minus strand). VCF-style: chr17-61781006-C-G. GRCh37 (hg19) VCF-style: chr17-59858367-C-G.
Other names: c.1629-1G>C (NM_032043.2).
Identifiers: ClinVar variation 1513481 (VCV001513481.12), dbSNP rs1060501757, ClinGen allele CA400480596.
Genomic context (GRCh38, chr17:61,781,006, plus strand): 5'-TCAATCTGATTTGTCCAGGAGTAAGTCTGTTGAATCGCAATTTTATAATCATCTGCAAAT[C>G]TAGATGCAAAGAAAGTGCTAATTAAGTGGCAAAACTTTTAAAACCTATGACCCAGCTACA-3'